The following is an entry in ClinVar:

ClinVar aggregate classification (germline): Uncertain significance. Review status: criteria provided, multiple submitters, no conflicts (2 of 4 stars). 2 submissions from 2 submitters: Uncertain significance (2). Last evaluated 2025-09-30.

Conditions:
COL11A2-related disorder. Also called: COL11A2-related condition; COL11A2-related disorders.

gnomAD v4.1: 9 of 1,611,592 alleles (0.00056%); highest among the groups gnomAD compares: Non-Finnish European, 0.00076%; no homozygotes.

Submissions (2):

PreventionGenetics, part of Exact Sciences
Classification: Uncertain significance for COL11A2-related condition. Last evaluated: 2025-09-30. Review status: criteria provided, single submitter. Criteria: ACMG Guidelines, 2015. Collection method: clinical testing. Allele origin: germline.
Comment: The COL11A2 c.4612G>T variant is predicted to result in the amino acid substitution p.Gly1538Trp. To our knowledge, this variant has not been reported in the literature. This variant is reported in 0.00088% of alleles in individuals of European (Non-Finnish) descent in gnomAD. At this time, the clinical significance of this variant is uncertain due to the absence of conclusive functional and genetic evidence.

Labcorp Genetics (formerly Invitae), Labcorp
Classification: Uncertain significance. Last evaluated: 2022-07-19. Review status: criteria provided, single submitter. Criteria: Invitae Variant Classification Sherloc (09022015). Collection method: clinical testing. Allele origin: germline.
Comment: This sequence change replaces glycine, which is neutral and non-polar, with tryptophan, which is neutral and slightly polar, at codon 1538 of the COL11A2 protein (p.Gly1538Trp). This variant is present in population databases (no rsID available, gnomAD 0.0009%). This variant has not been reported in the literature in individuals affected with COL11A2-related conditions. Advanced modeling of protein sequence and biophysical properties (such as structural, functional, and spatial information, amino acid conservation, physicochemical variation, residue mobility, and thermodynamic stability) performed at Invitae indicates that this missense variant is not expected to disrupt COL11A2 protein function. In summary, the available evidence is currently insufficient to determine the role of this variant in disease. Therefore, it has been classified as a Variant of Uncertain Significance.

NM_080680.3(COL11A2):c.4612G>T (p.Gly1538Trp)

Gene: COL11A2 (collagen type XI alpha 2 chain; minus strand). Cytogenetic location: 6p21.32.
Variant type: single nucleotide variant.
Coding change: c.4612G>T on transcript NM_080680.3 (MANE Select); coding-DNA position 4612, G replaced by T.
Protein change: p.Gly1538Trp; replaces glycine 1538 with tryptophan.
Molecular consequence: missense variant.
Genome position (GRCh38, 1-based): chr6:33,165,687, C>A on the plus strand (G>T on the coding strand, the complement: COL11A2 is on the minus strand). VCF-style: chr6-33165687-C-A. GRCh37 (hg19) VCF-style: chr6-33133464-C-A.
Other names: c.4291G>T, p.Gly1431Trp (NM_080679.3); c.4354G>T, p.Gly1452Trp (NM_080681.3); c.4612G>T (NM_080680.2); short protein forms G1431W, G1538W, G1452W.
Identifiers: ClinVar variation 1897104 (VCV001897104.3), dbSNP rs745996561, ClinGen allele CA363618728.